The following is an entry in ClinVar:

NM_014314.4(RIGI):c.2396C>T (p.Pro799Leu)

Genes: RIGI (RNA sensor RIG-I; minus strand), LOC101060445 (uncharacterized LOC101060445; plus strand). Cytogenetic location: 9p21.1.
Variant type: single nucleotide variant.
Coding change: c.2396C>T on transcript NM_014314.4 (MANE Select); coding-DNA position 2396, C replaced by T.
Protein change: p.Pro799Leu; replaces proline 799 with leucine.
Molecular consequence: missense variant.
Genome position (GRCh38, 1-based): chr9:32,459,456, G>A on the plus strand (C>T on the coding strand, the complement: RIGI is on the minus strand). VCF-style: chr9-32459456-G-A. GRCh37 (hg19) VCF-style: chr9-32459454-G-A.
Other names: c.2390C>T, p.Pro797Leu (NM_001385907.1); c.2225C>T, p.Pro742Leu (NM_001385909.1); c.1955C>T, p.Pro652Leu (NM_001385910.1); c.1787C>T, p.Pro596Leu (NM_001385912.1); c.2381C>T, p.Pro794Leu (NM_001385913.1); c.1952C>T, p.Pro651Leu (NM_001385914.1); short protein forms P742L, P794L, P596L, P651L, P799L, P652L, P797L.
Identifiers: ClinVar variation 2835511 (VCV002835511.3), dbSNP rs1184398427, ClinGen allele CA373144323.

ClinVar aggregate classification (germline): Uncertain significance (1 of 4 stars; one submission).

gnomAD v4.1: 1 of 1,613,468 alleles (0.000062%); no homozygotes.

Submission:

Labcorp Genetics (formerly Invitae), Labcorp
Classification: Uncertain significance. Last evaluated: 2024-01-08. Review status: criteria provided, single submitter. Criteria: Invitae Variant Classification Sherloc (09022015). Collection method: clinical testing. Allele origin: germline.
Comment: This sequence change replaces proline, which is neutral and non-polar, with leucine, which is neutral and non-polar, at codon 799 of the DDX58 protein (p.Pro799Leu). This variant is present in population databases (no rsID available, gnomAD no frequency). This variant has not been reported in the literature in individuals affected with DDX58-related conditions. Advanced modeling of protein sequence and biophysical properties (such as structural, functional, and spatial information, amino acid conservation, physicochemical variation, residue mobility, and thermodynamic stability) performed at Invitae indicates that this missense variant is not expected to disrupt DDX58 protein function with a negative predictive value of 80%. In summary, the available evidence is currently insufficient to determine the role of this variant in disease. Therefore, it has been classified as a Variant of Uncertain Significance.